The following is an entry in ClinVar:

ClinVar aggregate classification (germline): Conflicting classifications of pathogenicity. Review status: criteria provided, conflicting classifications (1 of 4 stars). 7 submissions from 7 submitters: Uncertain significance (1); Likely benign (4). 2 of the submissions do not count toward it. Last evaluated 2025-12-20.

Conditions:
Primary ciliary dyskinesia 9. Also called: CILIARY DYSKINESIA, PRIMARY, 9, WITH OR WITHOUT SITUS INVERSUS. Identifiers: Orphanet 244, MedGen C2676235, MONDO:0012906, OMIM 612444.
Primary ciliary dyskinesia. Also called: Ciliary dyskinesia. Identifiers: Orphanet 244, MedGen C0008780, MONDO:0016575, HP:0012265.

Allele frequency attached by ClinVar (database versions not stated): ESP Exome Variant Server 0.00008; gnomAD exomes 0.00019 and 0.00028; gnomAD 0.00020 and 0.00021; TOPMed 0.00023; ExAC 0.00026.

Submissions (7):

Labcorp Genetics (formerly Invitae), Labcorp
Classification: Likely benign for Primary ciliary dyskinesia. Last evaluated: 2025-12-20. Review status: criteria provided, single submitter. Criteria: Invitae Variant Classification Sherloc (09022015). Collection method: clinical testing. Allele origin: germline.

Ambry Genetics
Classification: Likely benign for Primary ciliary dyskinesia. Last evaluated: 2025-09-08. Review status: criteria provided, single submitter. Criteria: Ambry Variant Classification Scheme 2023. Collection method: clinical testing. Allele origin: germline.

Blueprint Genetics
Classification: Likely benign. Last evaluated: 2024-09-16. Review status: criteria provided, single submitter. Criteria: ACMG Guidelines, 2015. Collection method: clinical testing. Allele origin: germline.

Laboratory for Molecular Medicine, Mass General Brigham Personalized Medicine
Classification: Likely benign. Last evaluated: 2018-02-07. Review status: criteria provided, single submitter. Criteria: LMM Criteria. Collection method: clinical testing. Allele origin: germline. Observed: 1 variant allele.
Comment: proposed classification - variant undergoing re-assessment, contact laboratory

Illumina Laboratory Services, Illumina
Classification: Uncertain significance for Primary ciliary dyskinesia 9. Last evaluated: 2018-01-12. Review status: criteria provided, single submitter. Criteria: ICSL Variant Classification Criteria 13 December 2019. Collection method: clinical testing. Allele origin: germline.

Natera, Inc.
Classification: Uncertain significance for Primary ciliary dyskinesia. Last evaluated: 2020-01-17. Review status: no assertion criteria provided. Collection method: clinical testing. Allele origin: germline. Not counted in ClinVar's aggregate classification.

Counsyl
Classification: Uncertain significance for Primary ciliary dyskinesia 9. Last evaluated: 2017-05-12. Review status: no assertion criteria provided. Collection method: clinical testing. Allele origin: unknown. Not counted in ClinVar's aggregate classification.

NM_023036.6(DNAI2):c.571C>T (p.Pro191Ser)

Gene: DNAI2 (dynein axonemal intermediate chain 2; plus strand). Cytogenetic location: 17q25.1.
Variant type: single nucleotide variant.
Coding change: c.571C>T on transcript NM_023036.6 (MANE Select); coding-DNA position 571, C replaced by T.
Protein change: p.Pro191Ser; replaces proline 191 with serine.
Molecular consequence: missense variant. On other transcripts: non-coding transcript variant (1).
Genome position (GRCh38, 1-based): chr17:74,289,697, C>T. VCF-style: chr17-74289697-C-T. GRCh37 (hg19) VCF-style: chr17-72285836-C-T.
Other names: c.571C>T, p.Pro191Ser (NM_001172810.3, NM_001353167.2); short protein forms P191S.
Identifiers: ClinVar variation 228613 (VCV000228613.23), dbSNP rs201457010, ClinGen allele CA8745397.